The following is an entry in ClinVar:

NM_001394062.1(MACF1):c.19511G>A (p.Arg6504His)

Gene: MACF1 (microtubule actin crosslinking factor 1; plus strand). Cytogenetic location: 1p34.3.
Variant type: single nucleotide variant.
Coding change: c.19511G>A on transcript NM_001394062.1 (MANE Select); coding-DNA position 19511, G replaced by A.
Protein change: p.Arg6504His; replaces arginine 6504 with histidine.
Molecular consequence: missense variant.
Genome position (GRCh38, 1-based): chr1:39,444,741, G>A. VCF-style: chr1-39444741-G-A. GRCh37 (hg19) VCF-style: chr1-39910413-G-A.
Other names: c.7589G>A, p.Arg2530His (NM_001397473.1); c.13334G>A, p.Arg4445His (NM_012090.5); short protein forms R2530H, R6504H, R4445H.
Identifiers: ClinVar variation 2078125 (VCV002078125.28), dbSNP rs200611539, ClinGen allele CA784148.

ClinVar aggregate classification (germline): Benign/Likely benign. Review status: criteria provided, multiple submitters, no conflicts (2 of 4 stars). 4 submissions from 4 submitters: Benign (1); Likely benign (3). Last evaluated 2026-01-01.

Allele frequency attached by ClinVar (database versions not stated): gnomAD 0.00023; TOPMed 0.00023; ExAC 0.00031; gnomAD exomes 0.00034; ESP Exome Variant Server 0.00054.
gnomAD v4.1: 524 of 1,614,044 alleles (0.032%); highest among the groups gnomAD compares: Non-Finnish European, 0.042%; 1 homozygote.

Submissions (4):

CeGaT Center for Human Genetics Tuebingen
Classification: Likely benign. Last evaluated: 2026-01-01. Review status: criteria provided, single submitter. Criteria: CeGaT Center For Human Genetics Tuebingen Variant Classification Criteria Version 2. Collection method: clinical testing. Allele origin: germline. Affected: yes. Observed: 4 variant alleles.
Comment: MACF1: BS2

Labcorp Genetics (formerly Invitae), Labcorp
Classification: Benign. Last evaluated: 2025-12-09. Review status: criteria provided, single submitter. Criteria: Invitae Variant Classification Sherloc (09022015). Collection method: clinical testing. Allele origin: germline.

Laboratory of Genetics, Children's Clinical University Hospital Latvia
Classification: Likely benign. Last evaluated: 2025-02-16. Review status: criteria provided, single submitter. Criteria: ACMG Guidelines, 2015. Collection method: clinical testing. Allele origin: germline. Affected: yes.

Blueprint Genetics
Classification: Likely benign. Last evaluated: 2024-10-30. Review status: criteria provided, single submitter. Criteria: ACMG Guidelines, 2015. Collection method: clinical testing. Allele origin: germline.